The following is an entry in ClinVar:

ClinVar aggregate classification (germline): Uncertain significance (1 of 4 stars; one submission).

Conditions:
Familial cancer of breast. Also called: hereditary breast carcinoma; Hereditary breast cancer; BREAST CANCER, FAMILIAL. Identifiers: Orphanet 227535, MedGen C0346153, MONDO:0016419, OMIM 114480. Disease mechanism: loss of function.

Allele frequency attached by ClinVar (database versions not stated): gnomAD exomes below 0.00001; ExAC 0.00001.
gnomAD v4.1: 2 of 1,614,138 alleles (0.00012%); highest among the groups gnomAD compares: South Asian, 0.0022%; no homozygotes.

Submission:

Labcorp Genetics (formerly Invitae), Labcorp
Classification: Uncertain significance for Familial cancer of breast. Last evaluated: 2022-05-26. Review status: criteria provided, single submitter. Criteria: Invitae Variant Classification Sherloc (09022015). Collection method: clinical testing. Allele origin: germline.
Comment: In summary, the available evidence is currently insufficient to determine the role of this variant in disease. Therefore, it has been classified as a Variant of Uncertain Significance. Algorithms developed to predict the effect of missense changes on protein structure and function output the following: SIFT: "Tolerated"; PolyPhen-2: "Benign"; Align-GVGD: "Class C0". The threonine amino acid residue is found in multiple mammalian species, which suggests that this missense change does not adversely affect protein function. This variant has not been reported in the literature in individuals affected with PALB2-related conditions. This variant is present in population databases (rs778119923, gnomAD 0.003%). This sequence change replaces isoleucine, which is neutral and non-polar, with threonine, which is neutral and polar, at codon 654 of the PALB2 protein (p.Ile654Thr).

NM_024675.4(PALB2):c.1961T>C (p.Ile654Thr)

Gene: PALB2 (partner and localizer of BRCA2; minus strand). Cytogenetic location: 16p12.2.
Variant type: single nucleotide variant.
Coding change: c.1961T>C on transcript NM_024675.4 (MANE Select); coding-DNA position 1961, T replaced by C.
Protein change: p.Ile654Thr; replaces isoleucine 654 with threonine.
Molecular consequence: missense variant.
Genome position (GRCh38, 1-based): chr16:23,630,193, A>G on the plus strand (T>C on the coding strand, the complement: PALB2 is on the minus strand). VCF-style: chr16-23630193-A-G. GRCh37 (hg19) VCF-style: chr16-23641514-A-G.
Other names: c.1901T>C, p.Ile634Thr (NM_001407296.1); c.1961T>C, p.Ile654Thr (NM_001407297.1, NM_001407298.1, NM_001407299.1 and 3 more transcripts); c.1076T>C, p.Ile359Thr (NM_001407304.1, NM_001407305.1, NM_001407306.1 and 5 more transcripts); c.173T>C, p.Ile58Thr (NM_001407312.1, NM_001407313.1); short protein forms I58T, I634T, I359T, I654T.
Identifiers: ClinVar variation 1999108 (VCV001999108.4), dbSNP rs778119923, ClinGen allele CA7963641.
Genomic context (GRCh38, chr16:23,630,193, plus strand): 5'-TCCTCTTCTAAGTCCTCCATTTCTGTATCCATGCGTTTAGGACTCAGTTCCTCTGGAAAA[A>G]TACAGCTTCCCTCTTTAAGATGTCTCTCTCCAAACATTTTTGACTCAAAGGGCTCCACTG-3'
Protein context (NP_078951.2, residues 644-664): GERHLKEGSC[Ile654Thr]FPEELSPKRM